The following is an entry in ClinVar:

NM_020461.4(TUBGCP6):c.1441G>A (p.Ala481Thr)

Gene: TUBGCP6 (tubulin gamma complex component 6; minus strand). Cytogenetic location: 22q13.33.
Variant type: single nucleotide variant.
Coding change: c.1441G>A on transcript NM_020461.4 (MANE Select); coding-DNA position 1441, G replaced by A.
Protein change: p.Ala481Thr; replaces alanine 481 with threonine.
Molecular consequence: missense variant.
Genome position (GRCh38, 1-based): chr22:50,227,049, C>T on the plus strand (G>A on the coding strand, the complement: TUBGCP6 is on the minus strand). VCF-style: chr22-50227049-C-T. GRCh37 (hg19) VCF-style: chr22-50665478-C-T.
Other names: short protein forms A481T.
Identifiers: ClinVar variation 218771 (VCV000218771.9), dbSNP rs750355124, ClinGen allele CA248957.

ClinVar aggregate classification (germline): Uncertain significance. Review status: criteria provided, multiple submitters, no conflicts (2 of 4 stars). 6 submissions from 6 submitters: Uncertain significance (5). 1 of the submissions does not count toward it. Last evaluated 2024-10-23.

Conditions:
Optic atrophy. Identifiers: MedGen C0029124, MONDO:0003608, HP:0000648.

Allele frequency attached by ClinVar (database versions not stated): gnomAD exomes 0.00001 and 0.00002; gnomAD 0.00003; ExAC 0.00004; TOPMed 0.00005.

Submissions (6):

Blueprint Genetics
Classification: Uncertain significance. Last evaluated: 2024-10-23. Review status: criteria provided, single submitter. Criteria: ACMG Guidelines, 2015. Collection method: clinical testing. Allele origin: germline.

GeneDx
Classification: Uncertain significance. Last evaluated: 2024-02-22. Review status: criteria provided, single submitter. Criteria: GeneDx Variant Classification Process June 2021. Collection method: clinical testing. Allele origin: germline. Affected: yes.
Comment: Not observed at significant frequency in large population cohorts (gnomAD); In silico analysis supports that this missense variant does not alter protein structure/function; Has not been previously published as pathogenic or benign to our knowledge

Labcorp Genetics (formerly Invitae), Labcorp
Classification: Uncertain significance. Last evaluated: 2022-11-01. Review status: criteria provided, single submitter. Criteria: Invitae Variant Classification Sherloc (09022015). Collection method: clinical testing. Allele origin: germline.
Comment: This sequence change replaces alanine, which is neutral and non-polar, with threonine, which is neutral and polar, at codon 481 of the TUBGCP6 protein (p.Ala481Thr). This variant is present in population databases (rs750355124, gnomAD 0.01%). This variant has not been reported in the literature in individuals affected with TUBGCP6-related conditions. ClinVar contains an entry for this variant (Variation ID: 218771). Algorithms developed to predict the effect of missense changes on protein structure and function output the following: SIFT: "Tolerated"; PolyPhen-2: "Benign"; Align-GVGD: "Class C0". The threonine amino acid residue is found in multiple mammalian species, which suggests that this missense change does not adversely affect protein function. In summary, the available evidence is currently insufficient to determine the role of this variant in disease. Therefore, it has been classified as a Variant of Uncertain Significance.

Genomic Diagnostic Laboratory, Division of Genomic Diagnostics, Children's Hospital of Philadelphia
Classification: Uncertain significance. Last evaluated: 2015-06-17. Review status: criteria provided, single submitter. Criteria: DGD Variant Analysis Guidelines. Collection method: clinical testing. Allele origin: unknown.

Breakthrough Genomics
Classification: Uncertain significance. Review status: criteria provided, single submitter. Criteria: ACMG Guidelines, 2015. Collection method: not provided. Allele origin: germline. Inheritance: Autosomal dominant inheritance. Affected: yes.

Institute of Human Genetics, Univ. Regensburg, Univ. Regensburg
Classification: Uncertain significance for Optic atrophy. Last evaluated: 2023-01-01. Review status: no assertion criteria provided. Criteria: ACMG Guidelines, 2015. Collection method: clinical testing. Allele origin: germline. Affected: yes. Not counted in ClinVar's aggregate classification.